The following is an entry in ClinVar:

NM_000260.4(MYO7A):c.1814A>G (p.Lys605Arg)

Gene: MYO7A (myosin VIIA; plus strand). Cytogenetic location: 11q13.5.
Variant type: single nucleotide variant.
Coding change: c.1814A>G on transcript NM_000260.4 (MANE Select); coding-DNA position 1814, A replaced by G.
Protein change: p.Lys605Arg; replaces lysine 605 with arginine.
Molecular consequence: missense variant.
Genome position (GRCh38, 1-based): chr11:77,172,764, A>G. VCF-style: chr11-77172764-A-G. GRCh37 (hg19) VCF-style: chr11-76883810-A-G.
Other names: c.1814A>G, p.Lys605Arg (NM_001127180.2); c.1781A>G, p.Lys594Arg (NM_001369365.1); short protein forms K605R, K594R.
Identifiers: ClinVar variation 505864 (VCV000505864.11), dbSNP rs968552859, ClinGen allele CA224836056.
Genomic context (GRCh38, chr11:77,172,764, plus strand): 5'-GGGGCAGGCACAGCCCCTCCCATCGCTGCCGTCCGTCCCCCCAGGGCGCCGAGACCAGGA[A>G]GCGCTCGCCCACACTTAGCAGCCAGTTCAAGCGGTCACTGGAGCTGCTGATGCGCACGCT-3'
Protein context (NP_000251.3, residues 595-615): ADVAMGAETR[Lys605Arg]RSPTLSSQFK

ClinVar aggregate classification (germline): Uncertain significance. Review status: criteria provided, multiple submitters, no conflicts (2 of 4 stars). 5 submissions from 5 submitters: Uncertain significance (4). 1 of the submissions does not count toward it. Last evaluated 2024-08-21.

Conditions:
Autosomal dominant nonsyndromic hearing loss 11. Identifiers: Orphanet 90635, MedGen C1832475, MONDO:0011032, OMIM 601317.
Autosomal recessive nonsyndromic hearing loss 2. Also called: DEAFNESS, AUTOSOMAL RECESSIVE 2; NEUROSENSORY NONSYNDROMIC RECESSIVE DEAFNESS 2. Identifiers: Orphanet 90636, MedGen C1838701, MONDO:0010807, OMIM 600060.
Usher syndrome type 1 (USH1). Also called: RETINITIS PIGMENTOSA AND CONGENITAL DEAFNESS. Identifiers: Orphanet 231169, Orphanet 886, MedGen C1568247, MONDO:0010168, OMIM 276900.
Inborn genetic diseases. Identifiers: MedGen C0950123, MeSH D030342.
Usher syndrome type 1B (USH1B). Also called: Usher syndrome type IB. Identifiers: MedGen C1848638, MONDO:0700087.

Allele frequency attached by ClinVar (database versions not stated): gnomAD exomes below 0.00001 and 0.00001; gnomAD 0.00001; TOPMed 0.00002.
gnomAD v4.1: 7 of 1,558,394 alleles (0.00045%); highest among the groups gnomAD compares: Admixed American, 0.0019%; no homozygotes.

Submissions (5):

Ambry Genetics
Classification: Uncertain significance for Inborn genetic diseases. Last evaluated: 2024-08-21. Review status: criteria provided, single submitter. Criteria: Ambry Variant Classification Scheme 2023. Collection method: clinical testing. Allele origin: germline.

Labcorp Genetics (formerly Invitae), Labcorp
Classification: Uncertain significance. Last evaluated: 2022-10-13. Review status: criteria provided, single submitter. Criteria: Invitae Variant Classification Sherloc (09022015). Collection method: clinical testing. Allele origin: germline.
Comment: This sequence change replaces lysine, which is basic and polar, with arginine, which is basic and polar, at codon 605 of the MYO7A protein (p.Lys605Arg). The frequency data for this variant in the population databases is considered unreliable, as metrics indicate poor data quality at this position in the gnomAD database. This variant has not been reported in the literature in individuals affected with MYO7A-related conditions. ClinVar contains an entry for this variant (Variation ID: 505864). Advanced modeling of protein sequence and biophysical properties (such as structural, functional, and spatial information, amino acid conservation, physicochemical variation, residue mobility, and thermodynamic stability) performed at Invitae indicates that this missense variant is not expected to disrupt MYO7A protein function. In summary, the available evidence is currently insufficient to determine the role of this variant in disease. Therefore, it has been classified as a Variant of Uncertain Significance.

Fulgent Genetics
Classification: Uncertain significance for Usher syndrome type 1; Autosomal recessive nonsyndromic hearing loss 2; Autosomal dominant nonsyndromic hearing loss 11. Last evaluated: 2021-11-24. Review status: criteria provided, single submitter. Criteria: ACMG Guidelines, 2015. Collection method: clinical testing. Allele origin: unknown.

Laboratory for Molecular Medicine, Mass General Brigham Personalized Medicine
Classification: Uncertain significance. Last evaluated: 2017-06-20. Review status: criteria provided, single submitter. Criteria: LMM Criteria. Collection method: clinical testing. Allele origin: germline. Observed: 1 variant allele.
Comment: The p.Lys605Arg variant in MYO7A has not been previously reported in individuals with hearing loss or Usher syndrome, but has been identified in (1/25142) of La tino chromosomes by the Genome Aggregation Database (gnomAD). Although this variant has been seen in the general population, i ts frequency is not high enough to rule out a pathogenic role. Computational pre diction tools and conservation analysis do not provide strong support for or aga inst an impact to the protein. In summary, the clinical significance of the p.Ly s605Arg variant is uncertain.

Natera, Inc.
Classification: Uncertain significance for Usher syndrome type 1B. Last evaluated: 2020-04-16. Review status: no assertion criteria provided. Collection method: clinical testing. Allele origin: germline. Not counted in ClinVar's aggregate classification.